The following is an entry in ClinVar:

ClinVar aggregate classification (germline): Uncertain significance (1 of 4 stars; one submission).

Conditions:
Familial thoracic aortic aneurysm and aortic dissection (TAAD). Also called: Thoracic aortic aneurysms and dissections. Identifiers: Orphanet 91387, MedGen C4707243, MONDO:0019625.

gnomAD v4.1: 5 of 1,613,848 alleles (0.00031%); highest among the groups gnomAD compares: South Asian, 0.0033%; no homozygotes.

Submission:

Ambry Genetics
Classification: Uncertain significance for Familial thoracic aortic aneurysm and aortic dissection. Last evaluated: 2025-12-05. Review status: criteria provided, single submitter. Criteria: Ambry Variant Classification Scheme 2023. Collection method: clinical testing. Allele origin: germline.
Comment: The p.R189H variant (also known as c.566G>A), located in coding exon 5 of the FBN2 gene, results from a G to A substitution at nucleotide position 566. The arginine at codon 189 is replaced by histidine, an amino acid with highly similar properties. This amino acid position is highly conserved in available vertebrate species. In addition, the in silico prediction for this alteration is inconclusive. Based on the available evidence, the clinical significance of this variant remains unclear.

NM_001999.4(FBN2):c.566G>A (p.Arg189His)

Gene: FBN2 (fibrillin 2; minus strand). Cytogenetic location: 5q23.3.
Variant type: single nucleotide variant.
Coding change: c.566G>A on transcript NM_001999.4 (MANE Select); coding-DNA position 566, G replaced by A.
Protein change: p.Arg189His; replaces arginine 189 with histidine.
Molecular consequence: missense variant.
Genome position (GRCh38, 1-based): chr5:128,519,335, C>T on the plus strand (G>A on the coding strand, the complement: FBN2 is on the minus strand). VCF-style: chr5-128519335-C-T. GRCh37 (hg19) VCF-style: chr5-127855028-C-T.
Other names: short protein forms R189H.
Identifiers: ClinVar variation 4635376 (VCV004635376.1).